The following is an entry in ClinVar:

ClinVar aggregate classification (germline): Benign/Likely benign. Review status: criteria provided, multiple submitters, no conflicts (2 of 4 stars). 8 submissions from 8 submitters: Benign (5); Likely benign (3). Last evaluated 2026-08-01.

Conditions:
Ichthyosis, spastic quadriplegia, and impaired intellectual development. Also called: Congenital ichthyosis-intellectual disability-spastic quadriplegia syndrome. Identifiers: Orphanet 352333, MedGen C3280856, MONDO:0013760, OMIM 614457.
Stargardt disease 3. Also called: MACULAR DYSTROPHY WITH FLECKS, TYPE 3; STARGARDT-LIKE MACULAR DYSTROPHY, AUTOSOMAL DOMINANT. Identifiers: Orphanet 827, MedGen C1838644, MONDO:0010819, OMIM 600110.
Spinocerebellar ataxia type 34 (SCA34). Identifiers: Orphanet 1955, MedGen C1851481, MONDO:0007574, OMIM 133190.

Allele frequency attached by ClinVar (database versions not stated): 1000 Genomes Project 0.00120; 1000 Genomes Project 30x 0.00141; TOPMed 0.00665; gnomAD 0.00909 and 0.00936; ESP Exome Variant Server 0.00953.
gnomAD v4.1: 17,144 of 1,614,028 alleles (1.1%); highest among the groups gnomAD compares: Non-Finnish European, 1.2%; 150 homozygotes.

Submissions (8):

CeGaT Center for Human Genetics Tuebingen
Classification: Benign. Last evaluated: 2026-08-01. Review status: criteria provided, single submitter. Criteria: CeGaT Center For Human Genetics Tuebingen Variant Classification Criteria Version 2. Collection method: clinical testing. Allele origin: germline. Affected: yes. Observed: 58 variant alleles.
Comment: ELOVL4: BP4, BS1, BS2

Labcorp Genetics (formerly Invitae), Labcorp
Classification: Benign. Last evaluated: 2026-02-02. Review status: criteria provided, single submitter. Criteria: Invitae Variant Classification Sherloc (09022015). Collection method: clinical testing. Allele origin: germline.

Mayo Clinic Laboratories, Mayo Clinic
Classification: Benign. Last evaluated: 2024-02-15. Review status: criteria provided, single submitter. Criteria: ACMG Guidelines, 2015. Collection method: clinical testing. Allele origin: germline. Observed: 5 variant alleles.
Comment: BS1, BS2, BP4

Fulgent Genetics
Classification: Likely benign for Spinocerebellar ataxia type 34; Stargardt disease 3; Ichthyosis, spastic quadriplegia, and impaired intellectual development. Last evaluated: 2022-05-11. Review status: criteria provided, single submitter. Criteria: ACMG Guidelines, 2015. Collection method: clinical testing. Allele origin: unknown.

Illumina Laboratory Services, Illumina
Classification: Benign for Stargardt disease 3. Last evaluated: 2018-01-13. Review status: criteria provided, single submitter. Criteria: ICSL Variant Classification Criteria 13 December 2019. Collection method: clinical testing. Allele origin: germline.
Comment: This variant was observed in the ICSL laboratory as part of a predisposition screen in an ostensibly healthy population. It had not been previously curated by ICSL or reported in the Human Gene Mutation Database (HGMD: prior to June 1st, 2018), and was therefore a candidate for classification through an automated scoring system. Utilizing variant allele frequency, disease prevalence and penetrance estimates, and inheritance mode, an automated score was calculated to assess if this variant is too frequent to cause the disease. Based on the score and internal cut-off values, a variant classified as benign is not then subjected to further curation. The score for this variant resulted in a classification of benign for this disease.

Center for Pediatric Genomic Medicine, Children's Mercy Hospital and Clinics
Classification: Likely benign. Last evaluated: 2017-04-24. Review status: criteria provided, single submitter. Criteria: ACMG Guidelines, 2015. Collection method: clinical testing. Allele origin: germline.

GeneDx
Classification: Benign. Last evaluated: 2011-07-18. Review status: criteria provided, single submitter. Criteria: GeneDx Variant Classification (06012015). Collection method: clinical testing. Allele origin: germline. Affected: yes.
Comment: This variant is considered likely benign or benign based on one or more of the following criteria: it is a conservative change, it occurs at a poorly conserved position in the protein, it is predicted to be benign by multiple in silico algorithms, and/or has population frequency not consistent with disease.

Breakthrough Genomics
Classification: Likely benign. Review status: criteria provided, single submitter. Criteria: ACMG Guidelines, 2015. Collection method: not provided. Allele origin: germline. Inheritance: Autosomal recessive inheritance. Affected: yes.

NM_022726.4(ELOVL4):c.814G>C (p.Glu272Gln)

Gene: ELOVL4 (ELOVL fatty acid elongase 4; minus strand). Cytogenetic location: 6q14.1.
Variant type: single nucleotide variant.
Coding change: c.814G>C on transcript NM_022726.4 (MANE Select); coding-DNA position 814, G replaced by C.
Protein change: p.Glu272Gln; replaces glutamic acid 272 with glutamine.
Molecular consequence: missense variant.
Genome position (GRCh38, 1-based): chr6:79,916,739, C>G on the plus strand (G>C on the coding strand, the complement: ELOVL4 is on the minus strand). VCF-style: chr6-79916739-C-G. GRCh37 (hg19) VCF-style: chr6-80626456-C-G.
Other names: p.E272Q:GAG>CAG; p.Glu272Gln; short protein forms E272Q.
Identifiers: ClinVar variation 137205 (VCV000137205.48), dbSNP rs148919174, ClinGen allele CA290733.